The following is an entry in ClinVar:

ClinVar aggregate classification (germline): Uncertain significance (1 of 4 stars; one submission).

Conditions:
Polycystic kidney disease, adult type (PKD1). Also called: Polycystic Kidney, Autosomal Dominant; POLYCYSTIC KIDNEY DISEASE 1 WITH OR WITHOUT POLYCYSTIC LIVER DISEASE; Polycystic Kidney Disease 1, Autosomal Dominant; Polycystic kidney disease 1; Polycystic kidney disease 1, severe; POLYCYSTIC KIDNEY DISEASE, ADULT, TYPE I. Identifiers: MedGen C3149841, MONDO:0008263, OMIM 173900.

Submission:

3billion
Classification: Uncertain significance for Polycystic kidney disease, adult type. Last evaluated: 2024-02-26. Review status: criteria provided, single submitter. Criteria: ACMG Guidelines, 2015. Collection method: clinical testing. Allele origin: germline. Affected: yes.
Comment: The variant is not observed in the gnomAD v2.1.1 dataset. Predicted Consequence/Location: Missense variant In silico tool predictions suggest no damaging effect of the variant on gene or gene product [REVEL: 0.13 (<0.4); 3Cnet: 0.11 (<0.15, specificity 0.78 and negative predicitive value 0.92)]. Therefore, this variant is classified as VUS according to the recommendation of ACMG/AMP guideline.

NM_001009944.3(PKD1):c.11182G>C (p.Ala3728Pro)

Genes: PKD1 (polycystin 1, transient receptor potential channel interacting; minus strand), PKD1-AS1 (PKD1 antisense RNA 1; plus strand). Cytogenetic location: 16p13.3.
Variant type: single nucleotide variant.
Coding change: c.11182G>C on transcript NM_001009944.3 (MANE Select); coding-DNA position 11182, G replaced by C.
Protein change: p.Ala3728Pro; replaces alanine 3728 with proline.
Molecular consequence: missense variant.
Genome position (GRCh38, 1-based): chr16:2,092,567, C>G on the plus strand (G>C on the coding strand, the complement: PKD1 is on the minus strand). VCF-style: chr16-2092567-C-G. GRCh37 (hg19) VCF-style: chr16-2142568-C-G.
Other names: c.11179G>C, p.Ala3727Pro (NM_000296.4); short protein forms A3727P, A3728P.
Identifiers: ClinVar variation 3775626 (VCV003775626.1).
Genomic context (GRCh38, chr16:2,092,567, plus strand): 5'-GTGGGGGCCCCAGCTCTGGGCTGGACTGGTTCCCGTGGACGTAGGGCAGCAGCACGTGGG[C>G]CATCCATGGCCAGAGCTCCTCAGACCTGCCACAGCATCAGTCACACGCTCCAGCCCCTAC-3'
Protein context (NP_001009944.3, residues 3718-3738): TRSEELWPWM[Ala3728Pro]HVLLPYVHGN